The following is an entry in ClinVar:

ClinVar aggregate classification (germline): Pathogenic (1 of 4 stars; one submission).

Conditions:
Nemaline myopathy 2 (NEM2). Also called: Nemaline myopathy 2, autosomal recessive. Identifiers: MedGen C1850569, MONDO:0009725, OMIM 256030.

Submission:

Labcorp Genetics (formerly Invitae), Labcorp
Classification: Pathogenic for Nemaline myopathy 2. Last evaluated: 2023-05-26. Review status: criteria provided, single submitter. Criteria: Invitae Variant Classification Sherloc (09022015). Collection method: clinical testing. Allele origin: unknown.
Comment: For these reasons, this variant has been classified as Pathogenic. A similar copy number variant has been observed in individual(s) with nemaline myopathy (PMID: 25205138). In at least one individual the data is consistent with being in trans (on the opposite chromosome) from a pathogenic variant. This variant is a gross deletion of the genomic region encompassing exon(s) 43-45 of the NEB gene. This variant would be expected to be in-frame, preserving the integrity of the reading frame.

Literature cited by the submitters: PubMed 25205138.

NC_000002.11:g.(?_152520042)_(152521397_?)del

Gene: NEB (nebulin; minus strand). Cytogenetic location: 2q23.3.
Variant type: Deletion.
Identifiers: ClinVar variation 3247255 (VCV003247255.1).